The following is an entry in ClinVar:

ClinVar aggregate classification (germline): Conflicting classifications of pathogenicity. Review status: criteria provided, conflicting classifications (1 of 4 stars). 2 submissions from 2 submitters: Uncertain significance (1); Likely benign (1). Last evaluated 2024-04-10.

Conditions:
Hereditary cancer-predisposing syndrome. Also called: Neoplastic Syndromes, Hereditary; Tumor predisposition; Hereditary neoplastic syndrome; Hereditary Cancer Syndrome. Identifiers: Orphanet 140162, MedGen C0027672, MeSH D009386, MONDO:0015356.
Hereditary breast ovarian cancer syndrome. Also called: Hereditary breast and ovarian cancer; Hereditary breast and/or ovarian cancer syndrome; BRCA1- and BRCA2-Associated Hereditary Breast and Ovarian Cancer; Hereditary breast and ovarian cancer syndrome; Hereditary breast and ovarian cancer syndrome (HBOC); Breast and ovarian cancer. Identifiers: Orphanet 145, MedGen C0677776, MeSH D061325, MONDO:0003582. Disease mechanism: loss of function.

Submissions (2):

Labcorp Genetics (formerly Invitae), Labcorp
Classification: Uncertain significance for Hereditary breast ovarian cancer syndrome. Last evaluated: 2024-04-10. Review status: criteria provided, single submitter. Criteria: Invitae Variant Classification Sherloc (09022015). Collection method: clinical testing. Allele origin: germline.
Comment: This sequence change replaces asparagine, which is neutral and polar, with histidine, which is basic and polar, at codon 1322 of the BRCA2 protein (p.Asn1322His). This variant is not present in population databases (gnomAD no frequency). This variant has not been reported in the literature in individuals affected with BRCA2-related conditions. ClinVar contains an entry for this variant (Variation ID: 1366746). Advanced modeling of protein sequence and biophysical properties (such as structural, functional, and spatial information, amino acid conservation, physicochemical variation, residue mobility, and thermodynamic stability) performed at Invitae indicates that this missense variant is not expected to disrupt BRCA2 protein function with a negative predictive value of 95%. In summary, the available evidence is currently insufficient to determine the role of this variant in disease. Therefore, it has been classified as a Variant of Uncertain Significance.

University of Washington Department of Laboratory Medicine, University of Washington
Classification: Likely benign for Hereditary cancer-predisposing syndrome. Last evaluated: 2023-03-23. Review status: criteria provided, single submitter. Criteria: Dines et al. (Genet Med. 2020). Collection method: curation. Allele origin: germline.
Comment: Missense variant in a coldspot region where missense variants are very unlikely to be pathogenic (PMID:31911673).

BRCA2 exon 11 coldspot. Reclassification based on statistical prior probability.

NM_000059.4(BRCA2):c.3964A>C (p.Asn1322His)

Gene: BRCA2 (BRCA2 DNA repair associated; plus strand). Cytogenetic location: 13q13.1.
Variant type: single nucleotide variant.
Coding change: c.3964A>C on transcript NM_000059.4 (MANE Select); coding-DNA position 3964, A replaced by C.
Protein change: p.Asn1322His; replaces asparagine 1322 with histidine.
Molecular consequence: missense variant.
Genome position (GRCh38, 1-based): chr13:32,338,319, A>C. VCF-style: chr13-32338319-A-C. GRCh37 (hg19) VCF-style: chr13-32912456-A-C.
Other names: short protein forms N1322H.
Identifiers: ClinVar variation 1366746 (VCV001366746.9), dbSNP rs879255449, ClinGen allele CA387778920.